The following is an entry in ClinVar:

NM_001374736.1(DST):c.12549C>T (p.Asp4183=)

Gene: DST (dystonin; minus strand). Cytogenetic location: 6p12.1.
Variant type: single nucleotide variant.
Coding change: c.12549C>T on transcript NM_001374736.1 (MANE Select); coding-DNA position 12549, C replaced by T.
Protein change: p.Asp4183=; no amino-acid change (aspartic acid 4183 retained).
Molecular consequence: synonymous variant.
Genome position (GRCh38, 1-based): chr6:56,593,840, G>A on the plus strand (C>T on the coding strand, the complement: DST is on the minus strand). VCF-style: chr6-56593840-G-A. GRCh37 (hg19) VCF-style: chr6-56458638-G-A.
Other names: c.6192C>T, p.Asp2064= (NM_001144769.5); c.5778C>T, p.Asp1926= (NM_001144770.2); c.12549C>T, p.Asp4183= (NM_001374722.1); c.11916C>T, p.Asp3972= (NM_001374729.1); c.5658C>T, p.Asp1886= (NM_001374730.1, NM_001386100.1, NM_183380.4); c.12576C>T, p.Asp4192= (NM_001374734.1); c.4680C>T, p.Asp1560= (NM_015548.5); c.6192C>T (NM_001144769.2).
Identifiers: ClinVar variation 1146489 (VCV001146489.37), dbSNP rs375624981, ClinGen allele CA3868440.

ClinVar aggregate classification (germline): Likely benign. Review status: criteria provided, multiple submitters, no conflicts (2 of 4 stars). 3 submissions from 3 submitters: Likely benign (3). Last evaluated 2025-11-20.

Conditions:
DST-related disorder. Also called: DST-related condition; DST-related disorders.
Hereditary sensory and autonomic neuropathy type 6. Also called: HSAN VI; Neuropathy, hereditary sensory and autonomic, type VI. Identifiers: Orphanet 314381, MedGen C3539003, MONDO:0013839, OMIM 614653.
Epidermolysis bullosa simplex 3, localized or generalized intermediate, with BP230 deficiency (EBS3). Also called: Epidermolysis bullosa simplex due to BP230 deficiency; Epidermolysis bullosa simplex, autosomal recessive 2. Identifiers: Orphanet 412181, MedGen C3809470, MONDO:0014180, OMIM 615425.

Allele frequency attached by ClinVar (database versions not stated): gnomAD exomes 0.00009; ExAC 0.00010; ESP Exome Variant Server 0.00025.
gnomAD v4.1: 216 of 1,613,724 alleles (0.013%); highest among the groups gnomAD compares: Non-Finnish European, 0.018%; no homozygotes.

Submissions (3):

Labcorp Genetics (formerly Invitae), Labcorp
Classification: Likely benign for Epidermolysis bullosa simplex 3, localized or generalized intermediate, with BP230 deficiency; Hereditary sensory and autonomic neuropathy type 6. Last evaluated: 2025-11-20. Review status: criteria provided, single submitter. Criteria: Invitae Variant Classification Sherloc (09022015). Collection method: clinical testing. Allele origin: germline.

PreventionGenetics, part of Exact Sciences
Classification: Likely benign for DST-related condition. Last evaluated: 2025-10-03. Review status: criteria provided, single submitter. Criteria: ACMG Guidelines, 2015. Collection method: clinical testing. Allele origin: germline.
Comment: This variant is classified as likely benign based on ACMG/AMP sequence variant interpretation guidelines (Richards et al. 2015 PMID: 25741868, with internal and published modifications).

CeGaT Center for Human Genetics Tuebingen
Classification: Likely benign. Last evaluated: 2023-03-01. Review status: criteria provided, single submitter. Criteria: CeGaT Center For Human Genetics Tuebingen Variant Classification Criteria Version 2. Collection method: clinical testing. Allele origin: germline. Affected: yes. Observed: 1 variant allele.
Comment: DST: BP4, BP7